The following is an entry in ClinVar:

NM_206933.4(USH2A):c.3812-3_3837dup

Genes: USH2A (usherin; minus strand), USH2A-AS1 (USH2A antisense RNA 1; plus strand). Cytogenetic location: 1q41.
Variant type: Duplication.
Coding change: c.3812-3_3837dup on transcript NM_206933.4 (MANE Select); 3 bases into the intron before coding-DNA position 3812 through coding-DNA position 3837, 29 bases duplicated (TAGGAATAATTATAAGATATGAACTATAC).
Molecular consequence: splice acceptor variant.
Genome position (GRCh38, 1-based): chr1:216,198,559-216,198,587, GTATAGTTCATATCTTATAATTATTCCTA duplicated on the plus strand (TAGGAATAATTATAAGATATGAACTATAC on the coding strand, the reverse complement: USH2A is on the minus strand); duplicating any 29 consecutive bases within chr1:216,198,559-216,198,588 gives the same sequence; the c. name uses the placement nearest the transcript's 3' end. VCF-style (leftmost placement, unchanged base first): chr1-216198558-T-TGTATAGTTCATATCTTATAATTATTCCTA. GRCh37 (hg19) VCF-style: chr1-216371900-T-TGTATAGTTCATATCTTATAATTATTCCTA.
Other names: c.3812-3_3837dupTAGGAATAATTATAAGATATGAACTATAC (NM_206933.3); c.3812-3_3837dup (NM_007123.6).
Identifiers: ClinVar variation 420502 (VCV000420502.19), dbSNP rs780071028, ClinGen allele CA1395889.

ClinVar aggregate classification (germline): Conflicting classifications of pathogenicity. Review status: criteria provided, conflicting classifications (1 of 4 stars). 7 submissions from 7 submitters: Likely pathogenic (2); Uncertain significance (4); Likely benign (1). Last evaluated 2026-05-21.

Conditions:
USH2A-related disorder. Also called: USH2A-related disorders; USH2A-related condition. Identifiers: MedGen CN239332.
Retinitis pigmentosa 39 (RP39). Identifiers: Orphanet 791, MedGen C3151138, MONDO:0013436, OMIM 613809.
Usher syndrome type 2A. Also called: RETINAL DISEASE IN USHER SYNDROME TYPE IIA, MODIFIER OF; USHER SYNDROME, TYPE IIA. Identifiers: Orphanet 231178, Orphanet 886, MedGen C1848634, MONDO:0010169, OMIM 276901.

Submissions (7):

Myriad Genetics, Inc.
Classification: Uncertain significance for USH2A-related disorder. Last evaluated: 2026-05-21. Review status: criteria provided, single submitter. Criteria: Myriad Autosomal Dominant, Autosomal Recessive and X-Linked Classification Criteria (2023). Collection method: clinical testing. Allele origin: unknown.
Comment: NM_206933.2(USH2A):c.3812-3_3837dup29 is a variant in a canonical splice site classified as a variant of uncertain significance in the context of USH2A-related disorders. c.3812-3_3837dup29 has been observed in cases with relevant disease (PMID: 39120292, 37322672, 38844983, 33322828). Relevant functional assessments of this variant are available in the literature (PMID: 39120292). c.3812-3_3837dup29 has been observed in referenced population frequency databases. In summary, there is insufficient evidence to classify NM_206933.2(USH2A):c.3812-3_3837dup29 as pathogenic or benign. Please note: this variant was assessed in the context of healthy population screening.

Natera, Inc.
Classification: Likely pathogenic for Usher syndrome type 2A. Last evaluated: 2026-01-06. Review status: criteria provided, single submitter. Criteria: Natera Variant Classification Schema (03/2026). Collection method: clinical testing. Allele origin: germline.
Comment: The c.3812-3_3837dupTAGGAATAATTATAAGATATGAACTATAC variant in USH2A is a frameshift variant predicted to shift the reading frame and introduce a stop codon. This variant is expected to result in nonsense mediated decay, truncation, or a dysfunctional protein product. This variant is rare in the general population with a frequency below the threshold expected for the associated phenotype(s). This variant has been observed in one or more individuals affected with the associated recessive disease, as either homozygous or compound heterozygous with a second variant (PMID: 37322672). Given the available evidence, this variant is classified as Likely Pathogenic.

Labcorp Genetics (formerly Invitae), Labcorp
Classification: Likely benign. Last evaluated: 2025-11-15. Review status: criteria provided, single submitter. Criteria: Invitae Variant Classification Sherloc (09022015). Collection method: clinical testing. Allele origin: germline.

Blueprint Genetics
Classification: Uncertain significance. Last evaluated: 2024-10-10. Review status: criteria provided, single submitter. Criteria: ACMG Guidelines, 2015. Collection method: clinical testing. Allele origin: germline.

GeneDx
Classification: Likely pathogenic. Last evaluated: 2024-09-11. Review status: criteria provided, single submitter. Criteria: GeneDx Variant Classification Process June 2021. Collection method: clinical testing. Allele origin: germline. Affected: yes.
Comment: RNA studies demonstrate a damaging effect whereby a majority of the transcript shows in-frame skipping of all of exon 18 with or without a part of exon 19 (PMID: 39120292); This variant is associated with the following publications: (PMID: 39120292, 38844983, 37322672, 33322828)

Fulgent Genetics
Classification: Uncertain significance for Usher syndrome type 2A; Retinitis pigmentosa 39. Last evaluated: 2024-06-24. Review status: criteria provided, single submitter. Criteria: ACMG Guidelines, 2015. Collection method: clinical testing. Allele origin: germline.

Women's Health and Genetics/Laboratory Corporation of America, LabCorp
Classification: Uncertain significance. Last evaluated: 2022-10-10. Review status: criteria provided, single submitter. Criteria: LabCorp Variant Classification Summary - May 2015. Collection method: clinical testing. Allele origin: germline.
Comment: Variant summary: USH2A c.3812-3_3837dup29 is located in a canonical splice-site. Depending on the usage of the splicing sites, this variant is predicted to affect mRNA splicing or maintain the normal mRNA splicing. To our knowledge, no experimental study on the splicing effect of this variant has been reported. The variant allele was found at a frequency of 0.00014 in 250290 control chromosomes. This frequency is not significantly higher than expected for a pathogenic variant in USH2A causing Usher Syndrome (0.00014 vs 0.011), allowing no conclusion about variant significance. To our knowledge, no occurrence of c.3812-3_3837dup29 in individuals affected with Usher Syndrome and no experimental evidence demonstrating its impact on protein function have been reported. Three clinical diagnostic laboratories have submitted clinical-significance assessments for this variant to ClinVar after 2014 without evidence for independent evaluation. One laboratory classified the variant as likely pathogenic, one laboratory classified the variant as likely benign, and a third laboratory classified the variant as uncertain significance. Based on the evidence outlined above, the variant was classified as uncertain significance.

Literature cited by the submitters: PubMed 33322828 (cited by Myriad Genetics, Inc.); PubMed 37322672 (cited by Myriad Genetics, Inc. and Natera, Inc.); PubMed 38844983 (cited by Myriad Genetics, Inc.); PubMed 39120292 (cited by Myriad Genetics, Inc.).